The following is an entry in ClinVar:

NM_001369268.1(ACAN):c.1807G>A (p.Ala603Thr)

Gene: ACAN (aggrecan; plus strand). Cytogenetic location: 15q26.1.
Variant type: single nucleotide variant.
Coding change: c.1807G>A on transcript NM_001369268.1 (MANE Select); coding-DNA position 1807, G replaced by A.
Protein change: p.Ala603Thr; replaces alanine 603 with threonine.
Molecular consequence: missense variant.
Genome position (GRCh38, 1-based): chr15:88,849,512, G>A. VCF-style: chr15-88849512-G-A. GRCh37 (hg19) VCF-style: chr15-89392743-G-A.
Other names: c.1807G>A, p.Ala603Thr (NM_001135.4, NM_013227.4); short protein forms A603T.
Identifiers: ClinVar variation 1423392 (VCV001423392.8), dbSNP rs1312703452, ClinGen allele CA393711477.
Genomic context (GRCh38, chr15:88,849,512, plus strand): 5'-GCCACACGCCTTGAGCAGTTCACCTTCCAGGAAGCACTGGAGTTCTGTGAATCTCACAAT[G>A]CTACGCTGGCCACCACGGGCCAGCTCTACGCCGCCTGGAGCCGCGGCCTGGACAAGTGCT-3'
Protein context (NP_001356197.1, residues 593-613): EALEFCESHN[Ala603Thr]TLATTGQLYA

ClinVar aggregate classification (germline): Uncertain significance (1 of 4 stars; one submission).

Allele frequency attached by ClinVar (database versions not stated): gnomAD exomes 0.00001 and 0.00002; TOPMed 0.00001.
gnomAD v4.1: 6 of 1,607,482 alleles (0.00037%); highest among the groups gnomAD compares: Non-Finnish European, 0.00051%; no homozygotes.

Submission:

Labcorp Genetics (formerly Invitae), Labcorp
Classification: Uncertain significance. Last evaluated: 2025-10-10. Review status: criteria provided, single submitter. Criteria: Invitae Variant Classification Sherloc (09022015). Collection method: clinical testing. Allele origin: germline.
Comment: This sequence change replaces alanine, which is neutral and non-polar, with threonine, which is neutral and polar, at codon 603 of the ACAN protein (p.Ala603Thr). This variant is present in population databases (no rsID available, gnomAD 0.004%). This variant has not been reported in the literature in individuals affected with ACAN-related conditions. ClinVar contains an entry for this variant (Variation ID: 1423392). Invitae Evidence Modeling of protein sequence and biophysical properties (such as structural, functional, and spatial information, amino acid conservation, physicochemical variation, residue mobility, and thermodynamic stability) indicates that this missense variant is not expected to disrupt ACAN protein function with a negative predictive value of 80%. In summary, the available evidence is currently insufficient to determine the role of this variant in disease. Therefore, it has been classified as a Variant of Uncertain Significance.